The following is an entry in ClinVar:

NM_004333.6(BRAF):c.1227A>G (p.Ser409=)

Gene: BRAF (B-Raf proto-oncogene, serine/threonine kinase; minus strand). Cytogenetic location: 7q34.
Variant type: single nucleotide variant.
Coding change: c.1227A>G on transcript NM_004333.6 (MANE Select); coding-DNA position 1227, A replaced by G.
Protein change: p.Ser409=; no amino-acid change (serine 409 retained).
Molecular consequence: synonymous variant. On other transcripts: intron variant (2).
Genome position (GRCh38, 1-based): chr7:140,783,108, T>C on the plus strand (A>G on the coding strand, the complement: BRAF is on the minus strand). VCF-style: chr7-140783108-T-C. GRCh37 (hg19) VCF-style: chr7-140482908-T-C.
Other names: p.S409S; NM_004333.4(BRAF):c.1227A>G; c.1227A>G, p.Ser409= (NM_001354609.2, NM_001378468.1, NM_001378474.1); c.1347A>G, p.Ser449= (NM_001374244.1, NM_001374258.1); c.1236A>G, p.Ser412= (NM_001378467.1); c.1125A>G, p.Ser375= (NM_001378470.1); c.1071A>G, p.Ser357= (NM_001378472.1, NM_001378473.1); c.963A>G, p.Ser321= (NM_001378475.1); and 2 more.
Identifiers: ClinVar variation 40360 (VCV000040360.65), dbSNP rs145035762, ClinGen allele CA135058.

ClinVar aggregate classification (germline): Benign. Review status: reviewed by expert panel (3 of 4 stars). 16 submissions from 15 submitters: Benign (1). 15 of the submissions do not count toward it. Last evaluated 2017-04-03.

Conditions:
Noonan syndrome and Noonan-related syndrome. Identifiers: Orphanet 98733, MedGen C5681679, MONDO:0020297.
Cardiovascular phenotype. Identifiers: MedGen CN230736.
RASopathy. Also called: rasopathies; Noonan spectrum disorder. Identifiers: Orphanet 536391, MedGen C5555857, MONDO:0021060.
LEOPARD syndrome 3 (LPRD3). Identifiers: Orphanet 500, MedGen C3150971, MONDO:0013380, OMIM 613707.
Noonan syndrome 7 (NS7). Also called: BRAF-Related Noonan Syndrome. Identifiers: Orphanet 648, MedGen C3150970, MONDO:0013379, OMIM 613706.

Allele frequency attached by ClinVar (database versions not stated): 1000 Genomes Project 30x 0.00062; ExAC 0.00291; gnomAD exomes 0.00318 and 0.00346; 1000 Genomes Project 0.00060; TOPMed 0.00172; ESP Exome Variant Server 0.00215.
gnomAD v4.1: 5,414 of 1,614,086 alleles (0.34%); highest among the groups gnomAD compares: Non-Finnish European, 0.35%; 19 homozygotes.

Submissions (16):

ClinGen RASopathy Variant Curation Expert Panel
Classification: Benign for Noonan syndrome and Noonan-related syndrome. Last evaluated: 2017-04-03. Review status: reviewed by expert panel. Criteria: ClinGen RASopathy ACMG Specifications v1. Collection method: curation. Allele origin: germline. Inheritance: Autosomal dominant inheritance.
Comment: The filtering allele frequency of the c.1227A>G (p.Ser409=) variant in the BRAF gene is 0.313% for European (Non-Finnish) chromosomes by the Exome Aggregation Consortium (233/66620 with 95% CI), which is a high enough frequency to be classified as benign based on thresholds defined by the ClinGen RASopathy Expert panel for autosomal dominant RASopathy variants (BA1). Additionally, this variant is a synonymous (silent) variant at a nucleotide that is not highly conserved and is not predicted to impact splicing (BP7). The p.Ser409= variant has been identified in a patient with an alternate molecular basis for disease (BP5; GeneDx, Partners LMM, EGL Genetics internal data; GTR ID's: 21766, 26957, 500060; SCV000057203.8; SCV000061570.5; SCV000112807.7). Computational prediction tools and conservation analysis suggest that the p.Ser409= variant does not impact the protein (BP4). In summary, this variant meets criteria to be classified as benign. ACMG/AMP criteria applied: BA1, BP7, BP5, BP4.

CeGaT Center for Human Genetics Tuebingen
Classification: Likely benign. Last evaluated: 2026-08-01. Review status: criteria provided, single submitter. Criteria: CeGaT Center For Human Genetics Tuebingen Variant Classification Criteria Version 2. Collection method: clinical testing. Allele origin: germline. Affected: yes. Observed: 36 variant alleles. Not counted in ClinVar's aggregate classification.
Comment: BRAF: BP4, BP7, BS1

Labcorp Genetics (formerly Invitae), Labcorp
Classification: Benign for RASopathy. Last evaluated: 2026-02-01. Review status: criteria provided, single submitter. Criteria: Invitae Variant Classification Sherloc (09022015). Collection method: clinical testing. Allele origin: germline. Not counted in ClinVar's aggregate classification.

ARUP Laboratories, Molecular Genetics and Genomics, ARUP Laboratories
Classification: Benign. Last evaluated: 2025-01-13. Review status: criteria provided, single submitter. Criteria: ARUP Molecular Germline Variant Investigation Process 2024. Collection method: clinical testing. Allele origin: germline. Not counted in ClinVar's aggregate classification.

Blueprint Genetics
Classification: Likely benign. Last evaluated: 2024-11-27. Review status: criteria provided, single submitter. Criteria: ACMG Guidelines, 2015. Collection method: clinical testing. Allele origin: germline. Not counted in ClinVar's aggregate classification.

Genome Diagnostics Laboratory, The Hospital for Sick Children
Classification: Benign for Noonan syndrome and Noonan-related syndrome. Last evaluated: 2020-04-01. Review status: criteria provided, single submitter. Criteria: ACMG Guidelines, 2015. Collection method: clinical testing. Allele origin: germline. Not counted in ClinVar's aggregate classification.

Ambry Genetics
Classification: Benign for Cardiovascular phenotype. Last evaluated: 2019-02-16. Review status: criteria provided, single submitter. Criteria: Ambry Variant Classification Scheme 2023. Collection method: clinical testing. Allele origin: germline. Not counted in ClinVar's aggregate classification.

Illumina Laboratory Services, Illumina
Classification: Likely benign for LEOPARD syndrome 3. Last evaluated: 2017-04-27. Review status: criteria provided, single submitter. Criteria: ICSL Variant Classification Criteria 13 December 2019. Collection method: clinical testing. Allele origin: germline. Not counted in ClinVar's aggregate classification.
Comment: This variant was observed as part of a predisposition screen in an ostensibly healthy population. A literature search was performed for the gene, cDNA change, and amino acid change (where applicable). No publications were found based on this search. Allele frequency data from public databases allowed determination this variant is unlikely to cause disease. Therefore, this variant is classified as likely benign.

Illumina Laboratory Services, Illumina
Classification: Likely benign for Noonan syndrome 7. Last evaluated: 2017-04-27. Review status: criteria provided, single submitter. Criteria: ICSL Variant Classification Criteria 13 December 2019. Collection method: clinical testing. Allele origin: germline. Not counted in ClinVar's aggregate classification.
Comment: This variant was observed as part of a predisposition screen in an ostensibly healthy population. A literature search was performed for the gene, cDNA change, and amino acid change (where applicable). Publications were found based on this search. The evidence from the literature, in combination with allele frequency data from public databases where available, was sufficient to determine this variant is unlikely to cause disease. Therefore, this variant is classified as likely benign.

GeneDx
Classification: Benign. Last evaluated: 2016-05-31. Review status: criteria provided, single submitter. Criteria: GeneDx Variant Classification (06012015). Collection method: clinical testing. Allele origin: germline. Affected: yes. Not counted in ClinVar's aggregate classification.
Comment: This variant is considered likely benign or benign based on one or more of the following criteria: it is a conservative change, it occurs at a poorly conserved position in the protein, it is predicted to be benign by multiple in silico algorithms, and/or has population frequency not consistent with disease.

Mayo Clinic Laboratories, Mayo Clinic
Classification: Benign. Last evaluated: 2016-03-18. Review status: criteria provided, single submitter. Criteria: ACMG Guidelines, 2015. Collection method: clinical testing. Allele origin: germline. Observed: 9 variant alleles. Not counted in ClinVar's aggregate classification.

Eurofins Ntd Llc (ga)
Classification: Benign. Last evaluated: 2015-04-07. Review status: criteria provided, single submitter. Criteria: EGL Classification Definitions 2015. Collection method: clinical testing. Allele origin: germline. Observed: 1 variant allele, 1 heterozygote. Not counted in ClinVar's aggregate classification.

Laboratory for Molecular Medicine, Mass General Brigham Personalized Medicine
Classification: Benign. Last evaluated: 2012-01-30. Review status: criteria provided, single submitter. Criteria: LMM Criteria. Collection method: clinical testing. Allele origin: germline. Observed: 13 variant alleles. Not counted in ClinVar's aggregate classification.
Comment: Ser409Ser in exon 10 of BRAF: This variant is not expected to have clinical sign ificance because it is not located within the splice consensus sequence, has bee n identified in 0.3% (20/7020) of European American chromosomes and <0.1% (2/373 8) of African American chromosomes by the NHLBI Exome sequencing project in a br oad population (dbSNP rs145035762)

PreventionGenetics, part of Exact Sciences
Classification: Benign. Review status: criteria provided, single submitter. Criteria: ACMG Guidelines, 2015. Collection method: clinical testing. Allele origin: germline. Not counted in ClinVar's aggregate classification.

Clinical Genetics DNA and cytogenetics Diagnostics Lab, Erasmus MC, Erasmus Medical Center
Classification: Likely benign. Review status: no assertion criteria provided. Collection method: clinical testing. Allele origin: germline. Affected: yes. Study: VKGL Data-share Consensus. Not counted in ClinVar's aggregate classification.

Clinical Genetics, Academic Medical Center
Classification: Benign. Review status: no assertion criteria provided. Collection method: clinical testing. Allele origin: germline. Affected: yes. Study: VKGL Data-share Consensus. Not counted in ClinVar's aggregate classification.

Literature cited by the submitters: PubMed 18456719 (cited by Illumina Laboratory Services, Illumina and Laboratory for Molecular Medicine, Mass General Brigham Personalized Medicine).